The following is an entry in ClinVar:

ClinVar aggregate classification (germline): Uncertain significance (1 of 4 stars; one submission).

Conditions:
Pontocerebellar hypoplasia type 10. Identifiers: Orphanet 411493, MedGen C5190575, MONDO:0014349, OMIM 615803.

Allele frequency attached by ClinVar (database versions not stated): gnomAD 0.00002; TOPMed 0.00001.
gnomAD v4.1: 3 of 1,613,960 alleles (0.00019%); highest among the groups gnomAD compares: Admixed American, 0.005%; no homozygotes.

Submission:

Baylor Genetics
Classification: Uncertain significance for Pontocerebellar hypoplasia type 10. Last evaluated: 2019-12-28. Review status: criteria provided, single submitter. Criteria: ACMG Guidelines, 2015. Collection method: clinical testing. Allele origin: unknown. Affected: yes.
Comment: This variant was determined to be of uncertain significance according to ACMG Guidelines, 2015 [PMID:25741868].

NM_006831.3(CLP1):c.310C>G (p.Arg104Gly)

Gene: CLP1 (cleavage factor polyribonucleotide kinase subunit 1; plus strand). Cytogenetic location: 11q12.1.
Variant type: single nucleotide variant.
Coding change: c.310C>G on transcript NM_006831.3 (MANE Select); coding-DNA position 310, C replaced by G.
Protein change: p.Arg104Gly; replaces arginine 104 with glycine.
Molecular consequence: missense variant.
Genome position (GRCh38, 1-based): chr11:57,659,786, C>G. VCF-style: chr11-57659786-C-G. GRCh37 (hg19) VCF-style: chr11-57427258-C-G.
Other names: c.310C>G, p.Arg104Gly (NM_001142597.2); short protein forms R104G.
Identifiers: ClinVar variation 1030160 (VCV001030160.1), dbSNP rs994445804, ClinGen allele CA380696777.